The following is an entry in ClinVar:

ClinVar aggregate classification (germline): Pathogenic (1 of 4 stars; one submission).

Conditions:
Mucopolysaccharidosis, MPS-III-C (MPS3C). Also called: MPS III C; Mucopolysaccharidosis type IIIC (Sanfilippo C); SANFILIPPO SYNDROME C; MUCOPOLYSACCHARIDOSIS, TYPE IIIC; mucopolysaccharidosis type 3C; MPS IIIC (Sanfilippo Syndrome Type C). Identifiers: Orphanet 581, Orphanet 79271, MedGen C0086649, MONDO:0009657, OMIM 252930.
Retinitis pigmentosa 73 (RP73). Identifiers: Orphanet 791, MedGen C4225287, MONDO:0014687, OMIM 616544.

Submission:

Labcorp Genetics (formerly Invitae), Labcorp
Classification: Pathogenic for Retinitis pigmentosa 73; Mucopolysaccharidosis, MPS-III-C. Last evaluated: 2023-03-29. Review status: criteria provided, single submitter. Criteria: Invitae Variant Classification Sherloc (09022015). Collection method: clinical testing. Allele origin: germline.
Comment: For these reasons, this variant has been classified as Pathogenic. This variant has not been reported in the literature in individuals affected with HGSNAT-related conditions. This sequence change creates a premature translational stop signal (p.Leu352Tyrfs*18) in the HGSNAT gene. It is expected to result in an absent or disrupted protein product. Loss-of-function variants in HGSNAT are known to be pathogenic (PMID: 17033958, 19479962).

Literature cited by the submitters: PubMed 17033958; PubMed 19479962.

NM_152419.3(HGSNAT):c.1054_1055insATCAATTTCTAATGGGATTTCCAGAGTTGAAAAAGACAAATATTCAGCTTTAGGAAGCACAGTTGAGTCCTGAGCAGTACAAATAAAAATATAGGCTGGGCACAGTGGCTCACATGTGTAATCCCAGCACTTTCGGAGGCTGAGGTGGGTGGATTGCTGGAGTCCAGCAGTTTGAAAACAGCCTGAGCAACATGGCAAGACCCCATCTCTACAAAAAATACAACAATTATCCGGGCATGGTGGCACAAGCCCGTAGTCCCAGCTACTCAGGAAGCTGAGGTGGATCGCTTGAGCCCGGGAGGTGGAGGTTGCAGTGAGCCAAGATCACACCATTGCACTCCACACTGAATGACAGAGTGAGACTGTCTTAATAAAAAATATGAGTCAGCGTATAAGTTAAAAGGAGTTTTAAAAGATACTAATCCAAAAGAAGGCAGAAAAGGAGAAACATAATAGACTTACCAGCCCAATTTAAAAGTCAGGGATTATAAACATGAATTGAAGAAGTGAGACCCAGTTA (p.Leu352delinsTyrGlnPheLeuMetGlyPheProGluLeuLysLysThrAsnIleGlnLeuTer)

Gene: HGSNAT (heparan-alpha-glucosaminide N-acetyltransferase; plus strand). Cytogenetic location: 8p11.21.
Variant type: Insertion.
Coding change: c.1054_1055insATCAATTTCTAATGGGATTTCCAGAGTTGAAAAAGACAAATATTCAGCTTTAGGAAGCACAGTTGAGTCCTGAGCAGTACAAATAAAAATATAGGCTGGGCACAGTGGCTCACATGTGTAATCCCAGCACTTTCGGAGGCTGAGGTGGGTGGATTGCTGGAGTCCAGCAGTTTGAAAACAGCCTGAGCAACATGGCAAGACCCCATCTCTACAAAAAATACAACAATTATCCGGGCATGGTGGCACAAGCCCGTAGTCCCAGCTACTCAGGAAGCTGAGGTGGATCGCTTGAGCCCGGGAGGTGGAGGTTGCAGTGAGCCAAGATCACACCATTGCACTCCACACTGAATGACAGAGTGAGACTGTCTTAATAAAAAATATGAGTCAGCGTATAAGTTAAAAGGAGTTTTAAAAGATACTAATCCAAAAGAAGGCAGAAAAGGAGAAACATAATAGACTTACCAGCCCAATTTAAAAGTCAGGGATTATAAACATGAATTGAAGAAGTGAGACCCAGTTA on transcript NM_152419.3 (MANE Select); coding-DNA positions 1054 to 1055, ATCAATTTCTAATGGGATTTCCAGAGTTGAAAAAGACAAATATTCAGCTTTAGGAAGCACAGTTGAGTCCTGAGCAGTACAAATAAAAATATAGGCTGGGCACAGTGGCTCACATGTGTAATCCCAGCACTTTCGGAGGCTGAGGTGGGTGGATTGCTGGAGTCCAGCAGTTTGAAAACAGCCTGAGCAACATGGCAAGACCCCATCTCTACAAAAAATACAACAATTATCCGGGCATGGTGGCACAAGCCCGTAGTCCCAGCTACTCAGGAAGCTGAGGTGGATCGCTTGAGCCCGGGAGGTGGAGGTTGCAGTGAGCCAAGATCACACCATTGCACTCCACACTGAATGACAGAGTGAGACTGTCTTAATAAAAAATATGAGTCAGCGTATAAGTTAAAAGGAGTTTTAAAAGATACTAATCCAAAAGAAGGCAGAAAAGGAGAAACATAATAGACTTACCAGCCCAATTTAAAAGTCAGGGATTATAAACATGAATTGAAGAAGTGAGACCCAGTTA inserted.
Protein change: p.Leu352delinsTyrGlnPheLeuMetGlyPheProGluLeuLysLysThrAsnIleGlnLeuTer.
Molecular consequence: nonsense.
Genome position: GRCh38: chr8:43,182,186-43,182,187. GRCh37 (hg19): chr8:43,037,329-43,037,330.
Other names: c.1054_1055insATCAATTTCTAATGGGATTTCCAGAGTTGAAAAAGACAAATATTCAGCTTTAGGAAGCACAGTTGAGTCCTGAGCAGTACAAATAAAAATATAGGCTGGGCACAGTGGCTCACATGTGTAATCCCAGCACTTTCGGAGGCTGAGGTGGGTGGATTGCTGGAGTCCAGCAGTTTGAAAACAGCCTGAGCAACATGGCAAGACCCCATCTCTACAAAAAATACAACAATTATCCGGGCATGGTGGCACAAGCCCGTAGTCCCAGCTACTCAGGAAGCTGAGGTGGATCGCTTGAGCCCGGGAGGTGGAGGTTGCAGTGAGCCAAGATCACACCATTGCACTCCACACTGAATGACAGAGTGAGACTGTCTTAATAAAAAATATGAGTCAGCGTATAAGTTAAAAGGAGTTTTAAAAGATACTAATCCAAAAGAAGGCAGAAAAGGAGAAACATAATAGACTTACCAGCCCAATTTAAAAGTCAGGGATTATAAACATGAATTGAAGAAGTGAGACCCAGTTA, p.Leu352delinsTyrGlnPheLeuMetGlyPheProGluLeuLysLysThrAsnIleGlnLeuTer (NM_001363227.2); c.862_863insATCAATTTCTAATGGGATTTCCAGAGTTGAAAAAGACAAATATTCAGCTTTAGGAAGCACAGTTGAGTCCTGAGCAGTACAAATAAAAATATAGGCTGGGCACAGTGGCTCACATGTGTAATCCCAGCACTTTCGGAGGCTGAGGTGGGTGGATTGCTGGAGTCCAGCAGTTTGAAAACAGCCTGAGCAACATGGCAAGACCCCATCTCTACAAAAAATACAACAATTATCCGGGCATGGTGGCACAAGCCCGTAGTCCCAGCTACTCAGGAAGCTGAGGTGGATCGCTTGAGCCCGGGAGGTGGAGGTTGCAGTGAGCCAAGATCACACCATTGCACTCCACACTGAATGACAGAGTGAGACTGTCTTAATAAAAAATATGAGTCAGCGTATAAGTTAAAAGGAGTTTTAAAAGATACTAATCCAAAAGAAGGCAGAAAAGGAGAAACATAATAGACTTACCAGCCCAATTTAAAAGTCAGGGATTATAAACATGAATTGAAGAAGTGAGACCCAGTTA, p.Leu288delinsTyrGlnPheLeuMetGlyPheProGluLeuLysLysThrAsnIleGlnLeuTer (NM_001363228.2); c.190_191insATCAATTTCTAATGGGATTTCCAGAGTTGAAAAAGACAAATATTCAGCTTTAGGAAGCACAGTTGAGTCCTGAGCAGTACAAATAAAAATATAGGCTGGGCACAGTGGCTCACATGTGTAATCCCAGCACTTTCGGAGGCTGAGGTGGGTGGATTGCTGGAGTCCAGCAGTTTGAAAACAGCCTGAGCAACATGGCAAGACCCCATCTCTACAAAAAATACAACAATTATCCGGGCATGGTGGCACAAGCCCGTAGTCCCAGCTACTCAGGAAGCTGAGGTGGATCGCTTGAGCCCGGGAGGTGGAGGTTGCAGTGAGCCAAGATCACACCATTGCACTCCACACTGAATGACAGAGTGAGACTGTCTTAATAAAAAATATGAGTCAGCGTATAAGTTAAAAGGAGTTTTAAAAGATACTAATCCAAAAGAAGGCAGAAAAGGAGAAACATAATAGACTTACCAGCCCAATTTAAAAGTCAGGGATTATAAACATGAATTGAAGAAGTGAGACCCAGTTA, p.Leu64delinsTyrGlnPheLeuMetGlyPheProGluLeuLysLysThrAsnIleGlnLeuTer (NM_001363229.2).
Identifiers: ClinVar variation 1076934 (VCV001076934.4), dbSNP rs2130783742, ClinGen allele CA2499219332.